The following is an entry in ClinVar:

NM_001005242.3(PKP2):c.1226A>C (p.Glu409Ala)

Gene: PKP2 (plakophilin 2; minus strand). Cytogenetic location: 12p11.21.
Variant type: single nucleotide variant.
Coding change: c.1226A>C on transcript NM_001005242.3 (MANE Select); coding-DNA position 1226, A replaced by C.
Protein change: p.Glu409Ala; replaces glutamic acid 409 with alanine.
Molecular consequence: missense variant.
Genome position (GRCh38, 1-based): chr12:32,850,918, T>G on the plus strand (A>C on the coding strand, the complement: PKP2 is on the minus strand). VCF-style: chr12-32850918-T-G. GRCh37 (hg19) VCF-style: chr12-33003852-T-G.
Other names: c.1226A>C, p.Glu409Ala (NM_001407155.1, NM_001407156.1, NM_001407157.1 and 2 more transcripts); c.899A>C, p.Glu300Ala (NM_001407158.1, NM_001407159.1, NM_001407160.1 and 1 more transcripts); short protein forms E300A, E409A.
Identifiers: ClinVar variation 4690177 (VCV004690177.1).

ClinVar aggregate classification (germline): Uncertain significance (1 of 4 stars; one submission).

gnomAD v4.1: 7 of 1,614,150 alleles (0.00043%); highest among the groups gnomAD compares: Non-Finnish European, 0.00059%; no homozygotes.

Submission:

GeneDx
Classification: Uncertain significance. Last evaluated: 2025-07-30. Review status: criteria provided, single submitter. Criteria: GeneDx Variant Classification Process June 2021. Collection method: clinical testing. Allele origin: germline. Affected: yes.
Comment: Not observed at significant frequency in large population cohorts (gnomAD); In silico analysis supports that this missense variant has a deleterious effect on protein structure/function; Has not been previously published as pathogenic or benign to our knowledge